The following is an entry in ClinVar:

NM_001267550.2(TTN):c.45786C>T (p.Tyr15262=)

Gene: TTN (titin; minus strand). Cytogenetic location: 2q31.2.
Variant type: single nucleotide variant.
Coding change: c.45786C>T on transcript NM_001267550.2 (MANE Select); coding-DNA position 45786, C replaced by T.
Protein change: p.Tyr15262=; no amino-acid change (tyrosine 15262 retained).
Molecular consequence: synonymous variant.
Genome position (GRCh38, 1-based): chr2:178,620,824, G>A on the plus strand (C>T on the coding strand, the complement: TTN is on the minus strand). VCF-style: chr2-178620824-G-A. GRCh37 (hg19) VCF-style: chr2-179485551-G-A.
Other names: c.40863C>T, p.Tyr13621= (NM_001256850.1); c.18591C>T, p.Tyr6197= (NM_003319.4); c.38082C>T, p.Tyr12694= (NM_133378.4); c.18966C>T, p.Tyr6322= (NM_133432.3); c.19167C>T, p.Tyr6389= (NM_133437.4).
Identifiers: ClinVar variation 893629 (VCV000893629.9), dbSNP rs532009022, ClinGen allele CA1995369.
Genomic context (GRCh38, chr2:178,620,824, plus strand): 5'-GGTCAAAGACACATTATAGTTGGCTTGGTCATCTAAGTGTGCATCTCTAATTCTGAGGGT[G>A]TAGACTAGGTCTTTTTGGAGAATGATGTATTTTGAACTATCAAATATAGCTTCTTCATTT-3'
Protein context (NP_001254479.2, residues 15252-15272): KYIILQKDLV[Tyr15262=]TLRIRDAHLD

ClinVar aggregate classification (germline): Conflicting classifications of pathogenicity. Review status: criteria provided, conflicting classifications (1 of 4 stars). 7 submissions from 3 submitters: Uncertain significance (3); Benign (2); Likely benign (2). Last evaluated 2026-01-11.

Conditions:
Cardiovascular phenotype. Identifiers: MedGen CN230736.
Autosomal recessive limb-girdle muscular dystrophy type 2J (LGMDR10). Also called: Limb-girdle muscular dystrophy, type 2J; MUSCULAR DYSTROPHY, LIMB-GIRDLE, AUTOSOMAL RECESSIVE 10. Identifiers: Orphanet 140922, MedGen C1837342, MONDO:0012127, OMIM 608807.
Dilated cardiomyopathy 1G (CMD1G). Identifiers: Orphanet 154, MedGen C1858763, MONDO:0011400, OMIM 604145.
Myopathy, myofibrillar, 9, with early respiratory failure (MFM9). Also called: EDSTROM MYOPATHY; MYOPATHY, PROXIMAL, WITH EARLY RESPIRATORY MUSCLE INVOLVEMENT; Myopathy, distal, with early respiratory failure, autosomal dominant; Hereditary myopathy with early respiratory failure. Identifiers: Orphanet 178464, Orphanet 34521, MedGen C1863599, MONDO:0011362, OMIM 603689.
Early-onset myopathy with fatal cardiomyopathy (CMYO5). Also called: CONGENITAL MYOPATHY 5 WITH CARDIOMYOPATHY; Salih Myopathy. Identifiers: Orphanet 289377, MedGen C2673677, MONDO:0012714, OMIM 611705. Disease mechanism: loss of function.
Tibial muscular dystrophy (TMD). Also called: Tibial muscular dystrophy, tardive; UDD MYOPATHY; Udd Distal Myopathy – Tibial Muscular Dystrophy. Identifiers: Orphanet 609, MedGen C1838244, MONDO:0010870, OMIM 600334.

Allele frequency attached by ClinVar (database versions not stated): gnomAD 0.00001 and 0.00002; TOPMed 0.00002; gnomAD exomes 0.00003 and 0.00006; ExAC 0.00008; 1000 Genomes Project 0.00020; 1000 Genomes Project 30x 0.00047.
gnomAD v4.1: 40 of 1,612,716 alleles (0.0025%); highest among the groups gnomAD compares: South Asian, 0.043%; no homozygotes.

Submissions (7):

Labcorp Genetics (formerly Invitae), Labcorp
Classification: Likely benign for Dilated cardiomyopathy 1G; Autosomal recessive limb-girdle muscular dystrophy type 2J. Last evaluated: 2026-01-11. Review status: criteria provided, single submitter. Criteria: Invitae Variant Classification Sherloc (09022015). Collection method: clinical testing. Allele origin: germline.

Ambry Genetics
Classification: Likely benign for Cardiovascular phenotype. Last evaluated: 2020-09-28. Review status: criteria provided, single submitter. Criteria: Ambry Variant Classification Scheme 2023. Collection method: clinical testing. Allele origin: germline.

Illumina Laboratory Services, Illumina
Classification: Uncertain significance for Early-onset myopathy with fatal cardiomyopathy. Last evaluated: 2018-01-12. Review status: criteria provided, single submitter. Criteria: ICSL Variant Classification Criteria 13 December 2019. Collection method: clinical testing. Allele origin: germline.

Illumina Laboratory Services, Illumina
Classification: Benign for Myopathy, myofibrillar, 9, with early respiratory failure. Last evaluated: 2018-01-12. Review status: criteria provided, single submitter. Criteria: ICSL Variant Classification Criteria 13 December 2019. Collection method: clinical testing. Allele origin: germline.
Comment: This variant was observed in the ICSL laboratory as part of a predisposition screen in an ostensibly healthy population. It had not been previously curated by ICSL or reported in the Human Gene Mutation Database (HGMD: prior to June 1st, 2018), and was therefore a candidate for classification through an automated scoring system. Utilizing variant allele frequency, disease prevalence and penetrance estimates, and inheritance mode, an automated score was calculated to assess if this variant is too frequent to cause the disease. Based on the score and internal cut-off values, a variant classified as benign is not then subjected to further curation. The score for this variant resulted in a classification of benign for this disease.

Illumina Laboratory Services, Illumina
Classification: Uncertain significance for Autosomal recessive limb-girdle muscular dystrophy type 2J. Last evaluated: 2018-01-12. Review status: criteria provided, single submitter. Criteria: ICSL Variant Classification Criteria 13 December 2019. Collection method: clinical testing. Allele origin: germline.

Illumina Laboratory Services, Illumina
Classification: Uncertain significance for Dilated cardiomyopathy 1G. Last evaluated: 2018-01-12. Review status: criteria provided, single submitter. Criteria: ICSL Variant Classification Criteria 13 December 2019. Collection method: clinical testing. Allele origin: germline.

Illumina Laboratory Services, Illumina
Classification: Benign for Tibial muscular dystrophy. Last evaluated: 2018-01-12. Review status: criteria provided, single submitter. Criteria: ICSL Variant Classification Criteria 13 December 2019. Collection method: clinical testing. Allele origin: germline.
Comment: the same text as in the submission from Illumina Laboratory Services, Illumina above.